The following is an entry in ClinVar:

ClinVar aggregate classification (germline): Likely benign (0 of 4 stars; one submission).

Conditions:
DNM1-related disorder. Also called: DNM1-related condition.

Allele frequency attached by ClinVar (database versions not stated): TOPMed below 0.00001.

Submission:

PreventionGenetics, part of Exact Sciences
Classification: Likely benign for DNM1-related condition. Last evaluated: 2020-08-26. Review status: no assertion criteria provided. Collection method: clinical testing. Allele origin: germline.
Comment: This variant is classified as likely benign based on ACMG/AMP sequence variant interpretation guidelines (Richards et al. 2015 PMID: 25741868, with internal and published modifications).

NM_004408.4(DNM1):c.2535-1522G>C

Gene: DNM1 (dynamin 1; plus strand). Cytogenetic location: 9q34.11.
Variant type: single nucleotide variant.
Coding change: c.2535-1522G>C on transcript NM_004408.4 (MANE Select); 1522 bases into the intron before coding-DNA position 2535, G replaced by C.
Molecular consequence: intron variant. On other transcripts: 3 prime UTR variant (3).
Genome position (GRCh38, 1-based): chr9:128,253,132, G>C. VCF-style: chr9-128253132-G-C. GRCh37 (hg19) VCF-style: chr9-131015411-G-C.
Other names: c.*10G>C (NM_001005336.3, NM_001288737.2, NM_001288738.2); c.2535-877G>C (NM_001374269.1); c.2535-1522G>C (NM_001288739.2).
Identifiers: ClinVar variation 3032074 (VCV003032074.2), dbSNP rs867009424, ClinGen allele CA200324663.